The following is an entry in ClinVar:

NM_019098.5(CNGB3):c.2181_2184del (p.Glu729fs)

Gene: CNGB3 (cyclic nucleotide gated channel subunit beta 3; minus strand). Cytogenetic location: 8q21.3.
Variant type: Deletion.
Coding change: c.2181_2184del on transcript NM_019098.5 (MANE Select); coding-DNA positions 2181 to 2184, 4 bases deleted (AAAA; older notation c.2181_2184delAAAA).
Protein change: p.Glu729fs; shifts the reading frame from glutamic acid 729.
Molecular consequence: frameshift variant.
Genome position (GRCh38, 1-based): chr8:86,576,050-86,576,053, TTTT deleted on the plus strand (AAAA on the coding strand, the reverse complement: CNGB3 is on the minus strand); deleting any 4 consecutive bases within chr8:86,576,050-86,576,054 gives the same sequence; the c. name uses the placement nearest the transcript's 3' end. VCF-style (leftmost placement, unchanged base first): chr8-86576049-CTTTT-C. GRCh37 (hg19) VCF-style: chr8-87588277-CTTTT-C.
Other names: c.2181_2184delAAAA (NM_019098.4); short protein forms E729fs.
Identifiers: ClinVar variation 1066851 (VCV001066851.11), dbSNP rs1302125467, ClinGen allele CA1116229569.

ClinVar aggregate classification (germline): Pathogenic/Likely pathogenic. Review status: criteria provided, multiple submitters, no conflicts (2 of 4 stars). 4 submissions from 4 submitters: Pathogenic (1); Likely pathogenic (3). Last evaluated 2026-01-09.

Conditions:
Achromatopsia. Also called: Rod monochromatism. Identifiers: Orphanet 49382, MedGen C0152200, MONDO:0018852, HP:0011516.
Achromatopsia 3 (ACHM3). Also called: ACHROMATOPSIA WITH MYOPIA; PINGELAPESE BLINDNESS; TOTAL COLORBLINDNESS WITH MYOPIA; ROD MONOCHROMACY 1; ROD MONOCHROMATISM 1. Identifiers: Orphanet 49382, MedGen C1849792, MONDO:0009875, OMIM 262300.

Submissions (4):

Dasa
Classification: Likely pathogenic. Last evaluated: 2026-01-09. Review status: criteria provided, single submitter. Criteria: DASA Assertion Criteria. Collection method: clinical testing. Allele origin: germline.
Comment: NM_019098.5(CNGB3):c.2181_2184del (p.Glu729Metfs*99) is a frameshift variant in CNGB3 predicted to alter the reading frame and introduce a premature termination codon and is predicted to result in an absent or altered protein product. Loss of function is an established disease mechanism for CNGB3-associated disorders. Also, this variant is rare in population databases. Based on the currently available evidence, this variant is classified as likely pathogenic.

Natera, Inc.
Classification: Pathogenic for Achromatopsia. Last evaluated: 2025-09-26. Review status: criteria provided, single submitter. Criteria: Natera Variant Classification Schema (03/2026). Collection method: clinical testing. Allele origin: germline.
Comment: The c.2181_2184delAAAA variant in CNGB3 is a frameshift variant predicted to elongate the protein beyond the termination codon. This variant is expected to result in nonsense mediated decay, truncation, or a dysfunctional protein product. This variant is rare in the general population with a frequency below the threshold expected for the associated phenotype(s). This variant has been observed in one or more individuals affected with the associated recessive disease, as either homozygous or compound heterozygous with a second variant (PMID: 35119454). Given the available evidence, this variant is classified as Pathogenic.

3billion
Classification: Likely pathogenic for Achromatopsia 3. Last evaluated: 2024-03-21. Review status: criteria provided, single submitter. Criteria: ACMG Guidelines, 2015. Collection method: clinical testing. Allele origin: germline. Affected: yes.
Comment: The variant is not observed in the gnomAD v4.0.0 dataset. Predicted Consequence/Location: Frameshift: predicted to result in a loss or disruption of normal protein function through protein truncation. The predicted truncated protein may be shortened by more than 10%. The variant has been reported to be associated with CNGB3 related disorder (ClinVar ID: VCV001066851 /PMID: 35119454). Therefore, this variant is classified as Likely pathogenic according to the recommendation of ACMG/AMP guideline.

Labcorp Genetics (formerly Invitae), Labcorp
Classification: Likely pathogenic. Last evaluated: 2022-06-07. Review status: criteria provided, single submitter. Criteria: Invitae Variant Classification Sherloc (09022015). Collection method: clinical testing. Allele origin: germline.
Comment: This variant results in an extension of the CNGB3 protein. Other variant(s) that result in a similarly extended protein product (Asp741Ilefs*88) have been observed in individuals with CNGB3-related disease (PMID: 25616768, 28795510). This suggests that these extensions may be clinically significant. In summary, the currently available evidence indicates that the variant is pathogenic, but additional data are needed to prove that conclusively. Therefore, this variant has been classified as Likely Pathogenic. ClinVar contains an entry for this variant (Variation ID: 1066851). This sequence change results in a frameshift in the CNGB3 gene (p.Glu729Metfs*99). While this is not anticipated to result in nonsense mediated decay, it is expected to disrupt the last 81 amino acid(s) of the CNGB3 protein and extend the protein by 17 additional amino acid residues. This variant is not present in population databases (gnomAD no frequency). This variant has not been reported in the literature in individuals affected with CNGB3-related conditions.

Literature cited by the submitters: PubMed 35119454 (cited by Natera, Inc. and 3billion); PubMed 25616768 (cited by Labcorp Genetics (formerly Invitae), Labcorp); PubMed 28795510 (cited by Labcorp Genetics (formerly Invitae), Labcorp).